The following is an entry in ClinVar:

NM_002335.4(LRP5):c.3027+9C>T

Gene: LRP5 (LDL receptor related protein 5; plus strand). Cytogenetic location: 11q13.2.
Variant type: single nucleotide variant.
Coding change: c.3027+9C>T on transcript NM_002335.4 (MANE Select); 9 bases into the intron after coding-DNA position 3027, C replaced by T.
Molecular consequence: intron variant.
Genome position (GRCh38, 1-based): chr11:68,416,536, C>T. VCF-style: chr11-68416536-C-T. GRCh37 (hg19) VCF-style: chr11-68184004-C-T.
Other names: c.1284+9C>T (NM_001291902.2).
Identifiers: ClinVar variation 3621325 (VCV003621325.2).

ClinVar aggregate classification (germline): Uncertain significance (1 of 4 stars; one submission).

Submission:

Labcorp Genetics (formerly Invitae), Labcorp
Classification: Uncertain significance. Last evaluated: 2025-04-28. Review status: criteria provided, single submitter. Criteria: Invitae Variant Classification Sherloc (09022015). Collection method: clinical testing. Allele origin: germline.
Comment: This sequence change falls in intron 13 of the LRP5 gene. It does not directly change the encoded amino acid sequence of the LRP5 protein. This variant is not present in population databases (gnomAD no frequency). This variant has not been reported in the literature in individuals affected with LRP5-related conditions. ClinVar contains an entry for this variant (Variation ID: 3621325). Algorithms developed to predict the effect of sequence changes on RNA splicing suggest that this variant may create or strengthen a splice site. In summary, the available evidence is currently insufficient to determine the role of this variant in disease. Therefore, it has been classified as a Variant of Uncertain Significance.